The following is an entry in ClinVar:

ClinVar aggregate classification (germline): Conflicting classifications of pathogenicity. Review status: criteria provided, conflicting classifications (1 of 4 stars). 2 submissions from 2 submitters: Uncertain significance (1); Likely benign (1). Last evaluated 2021-02-12.

Conditions:
Developmental and epileptic encephalopathy, 74. Also called: EPILEPTIC ENCEPHALOPATHY, EARLY INFANTILE, 74. Identifiers: MedGen C5193074, MONDO:0032725, OMIM 618396.
EPILEPSY, CHILDHOOD ABSENCE, SUSCEPTIBILITY TO, 2 (ECA2). Identifiers: Orphanet 64280, MedGen C1843244, OMIM 607681.
Febrile seizures, familial, 8 (FEB8). Also called: CONVULSIONS, FAMILIAL FEBRILE, 8. Identifiers: Orphanet 36387, MedGen C1969810, MONDO:0011891, OMIM 607681.

Submissions (2):

New York Genome Center
Classification: Uncertain significance for Developmental and epileptic encephalopathy, 74. Last evaluated: 2021-02-12. Review status: criteria provided, single submitter. Criteria: NYGC Assertion Criteria 2020. Collection method: clinical testing. Allele origin: inherited. Observed: 1 heterozygote. Study: CSER-NYCKidSeq.
Comment: The inherited c.1153-8C>G variant identified in the GABRG2 gene is an intronic variant at the -8 (non-canonical) position of intron 9/9 of GABRG2 (NM_198904.2). This variant is absent from gnomAD(v3.1) suggesting it is not a common benign variant in the populations represented in that database. SpliceAI does not predict this variant to alter splicing, although the Transcript inferred Pathogenicity Score (TraP) score for this variant is 0.277, which is >95% score-percentile, suggesting it is possibly damaging to splicing. This variant is reported by a single submitter in ClinVar as Likely Benign (VarID:794672), although specific criteria used for this classification was not available for our review. To our current knowledge this variant has not been reported in affected individuals in the literature, although variants within the final exon of GABRG2, which would presumably be affected by this variant were it to alter splicing, have been reported [PMID:27066572, 27367160]. Given the lack of compelling evidence for its pathogenicity, the inherited c.1153-8C>G variant identified in the GABRG2 gene is reported as a Variant of Uncertain Significance.

Labcorp Genetics (formerly Invitae), Labcorp
Classification: Likely benign for Febrile seizures, familial, 8; EPILEPSY, CHILDHOOD ABSENCE, SUSCEPTIBILITY TO, 2. Last evaluated: 2018-11-06. Review status: criteria provided, single submitter. Criteria: Invitae Variant Classification Sherloc (09022015). Collection method: clinical testing. Allele origin: germline.

NM_198904.4(GABRG2):c.1153-8C>G

Gene: GABRG2 (gamma-aminobutyric acid type A receptor subunit gamma2; plus strand). Cytogenetic location: 5q34.
Variant type: single nucleotide variant.
Coding change: c.1153-8C>G on transcript NM_198904.4 (MANE Select); 8 bases into the intron before coding-DNA position 1153, C replaced by G.
Molecular consequence: intron variant.
Genome position (GRCh38, 1-based): chr5:162,153,085, C>G. VCF-style: chr5-162153085-C-G. GRCh37 (hg19) VCF-style: chr5-161580091-C-G.
Other names: c.1129-8C>G (NM_000816.3); c.844-8C>G (NM_001375349.1); c.1249-8C>G (NM_001375343.1); c.1192-8C>G (NM_001375344.1); c.947-8C>G (NM_001375340.1); c.1150-8C>G (NM_001375341.1); c.1126-8C>G (NM_001375342.1); c.733-8C>G (NM_001375350.1); and 7 more.
Identifiers: ClinVar variation 794672 (VCV000794672.10), dbSNP rs771660227, ClinGen allele CA915942712.